The following is an entry in ClinVar:

ClinVar aggregate classification (germline): Uncertain significance. Review status: criteria provided, multiple submitters, no conflicts (2 of 4 stars). 3 submissions from 3 submitters: Uncertain significance (3). Last evaluated 2026-01-16.

Conditions:
Familial episodic pain syndrome with predominantly lower limb involvement. Also called: Episodic pain syndrome, familial, 3. Identifiers: Orphanet 391384, Orphanet 391392, MedGen C3809899, MONDO:0014247, OMIM 615552.
Hereditary sensory and autonomic neuropathy type 7. Also called: HSAN VII; Neuropathy, hereditary sensory and autonomic, type VII. Identifiers: Orphanet 391397, MedGen C3809882, MONDO:0014244, OMIM 615548.
SCN11A-related disorder. Also called: SCN11A-related condition.

Allele frequency attached by ClinVar (database versions not stated): gnomAD 0.00001; gnomAD exomes 0.00001 and 0.00003; TOPMed 0.00001; ExAC 0.00004; 1000 Genomes Project 0.00020; 1000 Genomes Project 30x 0.00031.
gnomAD v4.1: 17 of 1,614,068 alleles (0.0011%); highest among the groups gnomAD compares: South Asian, 0.0022%; no homozygotes.

Submissions (3):

PreventionGenetics, part of Exact Sciences
Classification: Uncertain significance for SCN11A-related condition. Last evaluated: 2026-01-16. Review status: criteria provided, single submitter. Criteria: ACMG Guidelines, 2015. Collection method: clinical testing. Allele origin: germline.
Comment: The SCN11A c.2287C>T variant is predicted to result in the amino acid substitution p.Arg763Cys. To our knowledge, this variant has not been reported in the literature. This variant is reported in 0.0053% of alleles in individuals of European (Non-Finnish) descent in gnomAD. At this time, the clinical significance of this variant is uncertain due to the absence of conclusive functional and genetic evidence.

Labcorp Genetics (formerly Invitae), Labcorp
Classification: Uncertain significance for Familial episodic pain syndrome with predominantly lower limb involvement; Hereditary sensory and autonomic neuropathy type 7. Last evaluated: 2025-07-14. Review status: criteria provided, single submitter. Criteria: Invitae Variant Classification Sherloc (09022015). Collection method: clinical testing. Allele origin: germline.
Comment: This sequence change replaces arginine, which is basic and polar, with cysteine, which is neutral and slightly polar, at codon 763 of the SCN11A protein (p.Arg763Cys). This variant is present in population databases (rs537371340, gnomAD 0.004%). This variant has not been reported in the literature in individuals affected with SCN11A-related conditions. ClinVar contains an entry for this variant (Variation ID: 1000258). Invitae Evidence Modeling of protein sequence and biophysical properties (such as structural, functional, and spatial information, amino acid conservation, physicochemical variation, residue mobility, and thermodynamic stability) indicates that this missense variant is expected to disrupt SCN11A protein function with a positive predictive value of 80%. In summary, the available evidence is currently insufficient to determine the role of this variant in disease. Therefore, it has been classified as a Variant of Uncertain Significance.

Department of Pathology and Laboratory Medicine, Sinai Health System
Classification: Uncertain significance for Hereditary sensory and autonomic neuropathy type 7; Familial episodic pain syndrome with predominantly lower limb involvement. Last evaluated: 2023-04-22. Review status: criteria provided, single submitter. Criteria: ACMG Guidelines, 2015. Collection method: research. Allele origin: germline.

NM_001349253.2(SCN11A):c.2287C>T (p.Arg763Cys)

Gene: SCN11A (sodium voltage-gated channel alpha subunit 11; minus strand). Cytogenetic location: 3p22.2.
Variant type: single nucleotide variant.
Coding change: c.2287C>T on transcript NM_001349253.2 (MANE Select); coding-DNA position 2287, C replaced by T.
Protein change: p.Arg763Cys; replaces arginine 763 with cysteine.
Molecular consequence: missense variant.
Genome position (GRCh38, 1-based): chr3:38,896,961, G>A on the plus strand (C>T on the coding strand, the complement: SCN11A is on the minus strand). VCF-style: chr3-38896961-G-A. GRCh37 (hg19) VCF-style: chr3-38938452-G-A.
Other names: c.2287C>T, p.Arg763Cys (NM_014139.3); c.2287C>T (NM_014139.2); short protein forms R763C.
Identifiers: ClinVar variation 1000258 (VCV001000258.7), dbSNP rs537371340, ClinGen allele CA2322095.
Genomic context (GRCh38, chr3:38,896,961, plus strand): 5'-ATGCATTCGCTTCTTGCATACATTCCCACATATTTTCGATCCATTCCCCGCAGAGGATGC[G>A]GAATACCACTAGGAAGGAGTGCCAGAAATCCCCCATGTGCCAGTGCCGTAAACATGAGAC-3'
Protein context (NP_001336182.1, residues 753-773): DFWHSFLVVF[Arg763Cys]ILCGEWIENM